The following is an entry in ClinVar:

ClinVar aggregate classification (germline): Likely benign. Review status: criteria provided, multiple submitters, no conflicts (2 of 4 stars). 2 submissions from 2 submitters: Likely benign (2). Last evaluated 2023-10-02.

Conditions:
Familial thoracic aortic aneurysm and aortic dissection (TAAD). Also called: Thoracic aortic aneurysms and dissections. Identifiers: Orphanet 91387, MedGen C4707243, MONDO:0019625.

Allele frequency attached by ClinVar (database versions not stated): gnomAD exomes below 0.00001; ExAC 0.00001.
gnomAD v4.1: 3 of 1,614,238 alleles (0.00019%); highest among the groups gnomAD compares: Non-Finnish European, 0.00017%; no homozygotes.

Submissions (2):

All of Us Research Program, National Institutes of Health
Classification: Likely benign for Familial thoracic aortic aneurysm and aortic dissection. Last evaluated: 2023-10-02. Review status: criteria provided, single submitter. Criteria: ACMG Guidelines, 2015. Collection method: clinical testing. Allele origin: germline. Inheritance: Autosomal dominant inheritance. Observed: 1 variant allele, 1 heterozygote.
Comment: This study involves interpretation of variants in research participants for the purpose of population health screening. Participant phenotype was not available at the time of variant classification. Additional details can be found in publication PMID: 35346344, PMCID: PMC8962531

Color Diagnostics, LLC DBA Color Health
Classification: Likely benign for Familial thoracic aortic aneurysm and aortic dissection. Last evaluated: 2023-09-06. Review status: criteria provided, single submitter. Criteria: ACMG Guidelines, 2015. Collection method: clinical testing. Allele origin: germline.

NM_002474.3(MYH11):c.4278G>A (p.Gln1426=)

Genes: MYH11 (myosin heavy chain 11; minus strand), NDE1 (nudE neurodevelopment protein 1; plus strand). Cytogenetic location: 16p13.11.
Variant type: single nucleotide variant.
Coding change: c.4278G>A on transcript NM_002474.3 (MANE Select); coding-DNA position 4278, G replaced by A.
Protein change: p.Gln1426=; no amino-acid change (glutamine 1426 retained).
Molecular consequence: synonymous variant.
Genome position (GRCh38, 1-based): chr16:15,724,248, C>T on the plus strand (G>A on the coding strand, the complement: MYH11 is on the minus strand). VCF-style: chr16-15724248-C-T. GRCh37 (hg19) VCF-style: chr16-15818105-C-T.
Other names: c.4299G>A, p.Gln1433= (NM_001040113.2, NM_001040114.2); c.4278G>A, p.Gln1426= (NM_022844.3); c.1005C>T, p.Cys335= (NM_001143979.2, NM_017668.3).
Identifiers: ClinVar variation 3073553 (VCV003073553.2), dbSNP rs758327462, ClinGen allele CA7921722.